The following is an entry in ClinVar:

NM_000203.5(IDUA):c.713T>A (p.Leu238Gln)

Gene: IDUA (alpha-L-iduronidase; plus strand). Cytogenetic location: 4p16.3.
Variant type: single nucleotide variant.
Coding change: c.713T>A on transcript NM_000203.5 (MANE Select); coding-DNA position 713, T replaced by A.
Protein change: p.Leu238Gln; replaces leucine 238 with glutamine.
Molecular consequence: missense variant. On other transcripts: non-coding transcript variant (1).
Genome position (GRCh38, 1-based): chr4:1,001,802, T>A. VCF-style: chr4-1001802-T-A. GRCh37 (hg19) VCF-style: chr4-995590-T-A.
Other names: c.317T>A, p.Leu106Gln (NM_001363576.1); short protein forms L238Q, L106Q.
Identifiers: ClinVar variation 265418 (VCV000265418.24), dbSNP rs148789453, ClinGen allele CA2802065.
Genomic context (GRCh38, chr4:1,001,802, plus strand): 5'-TGGGAGGCCCCGGCGACTCCTTCCACACCCCACCGCGATCCCCGCTGAGCTGGGGCCTCC[T>A]GCGCCACTGCCACGACGGTACCAACTTCTTCACTGGGGAGGCGGGCGTGCGGCTGGACTA-3'
Protein context (NP_000194.2, residues 228-248): PPRSPLSWGL[Leu238Gln]RHCHDGTNFF

ClinVar aggregate classification (germline): Pathogenic. Review status: reviewed by expert panel (3 of 4 stars). 8 submissions from 8 submitters: Pathogenic (1). 7 of the submissions do not count toward it. Last evaluated 2024-12-06.

Conditions:
Mucopolysaccharidosis type 1. Also called: IDUA deficiency; MPS I; Mucopolysaccharidosis Type I. Identifiers: Orphanet 579, MedGen C0023786, MONDO:0001586.
IDUA-related disorder. Also called: IDUA-related condition.
Hurler syndrome. Also called: MUCOPOLYSACCHARIDOSIS TYPE IH; Gargoylism, Hurler Syndrome; Severe MPS I (Hurler Syndrome). Identifiers: Orphanet 93473, MedGen C0086795, MONDO:0011758, OMIM 607014.

Allele frequency attached by ClinVar (database versions not stated): TOPMed 0.00001; gnomAD 0.00002; ESP Exome Variant Server 0.00008.
gnomAD v4.1: 9 of 1,604,640 alleles (0.00056%); highest among the groups gnomAD compares: African/African-American, 0.004%; no homozygotes.

Submissions (8):

ClinGen Lysosomal Storage Disorder Variant Curation Expert Panel
Classification: Pathogenic for Mucopolysaccharidosis type 1. Last evaluated: 2024-12-06. Review status: reviewed by expert panel. Criteria: ClinGen LSD ACMG Specifications IDUA V1.0.0. Collection method: curation. Allele origin: germline. Inheritance: Autosomal recessive inheritance.
Comment: The NM_000203.5: c.713T>A variant in IDUA is a missense variant predicted to cause substitution of Leu by Gln at amino acid 238 (p.Leu238Gln). This variant has been detected in at least 18 individuals with MPS I, the majority of whom had phenotypes consistent with a clinical diagnosis of Hurler-Scheie (PMID: 32188113, 31839529, 34984346, 26260077, 28125077, and others). All of those individuals were compound heterozygous for the variant and another variant that has been classified as pathogenic or likely pathogenic by the ClinGen Lysosomal Diseases; it is unknown if these variants were confirmed in trans. For example, in compound heterozygous patients, the second variant is p.Gln70Ter (1 patient, 0.5 points, PMID: 31194252), p.Trp402Ter (2 patients, 2 x 0.5 points, PMID: 31194252), c.386-2A>G (1 patient 0.5 points, PMID: 31194252), p.Glu182Lys (1 patient, 0.5 points, PMID: 31194252), Int3-2a>g (1 patient, 0.5 points, PMID: 31839529) and 63del (one patient, 0.5 points, PMID: 31839529) Total 4 points (PM3_VeryStrong). The highest population minor allele frequency in gnomAD v4.1.0 is 0.00004 (3/74,858 alleles) in the African/African American population, which is lower than the ClinGen Lysosomal Diseases VCEP’s threshold for PM2_Supporting (<0.00025), meeting this criterion (PM2_Supporting). Another missense variant c.713T>C p.Leu238Pro in the same codon has been reported in the ClinVar database in association with MPS I (ClinVar Variation ID 1517837). However, this variant has not yet been evaluated by the ClinGen Lysosomal Diseases VCEP (PM5 not met). Expression of the variant in CHO cells showed 5.88% wild type IDUA activity (PMID: 15300847). However, this result does not meet the requirements for use by the ClinGen Lysosomal Diseases VCEP to apply PS3_Supporting criterion because the activity level was above the threshold of <2% established for this assay. The computational predictor REVEL gives a score of 0.904, which is above the threshold of 0.773, evidence that correlates with impact to IDUA function at the moderate level based on the specifications of the ClinGen Lysosomal Diseases VCEP (PMID: 36413997) (PP3_Moderate). There is a ClinVar entry for this variant (Variation ID: 265418). In summary, this variant meets the criteria to be classified as Pathogenic for MPS I based on the IDUA-specific ACMG/AMP criteria applied, as specified by the ClinGen Lysosomal Diseases Variant Curation Expert Panel (Specifications Version 1.0.0): PM3_Very Strong, PP3_Moderate, PP4_Moderate, PM2_Supporting. (Classification approved by the ClinGen Lysosomal Diseases Variant Curation Expert Panel on December 6, 2024)

Labcorp Genetics (formerly Invitae), Labcorp
Classification: Pathogenic for Mucopolysaccharidosis type 1. Last evaluated: 2026-01-13. Review status: criteria provided, single submitter. Criteria: Invitae Variant Classification Sherloc (09022015). Collection method: clinical testing. Allele origin: germline. Not counted in ClinVar's aggregate classification.
Comment: This sequence change replaces leucine, which is neutral and non-polar, with glutamine, which is neutral and polar, at codon 238 of the IDUA protein (p.Leu238Gln). This variant is present in population databases (rs148789453, gnomAD 0.008%). This missense change has been observed in individual(s) with mucopolysaccharidosis type I (PMID: 15300847, 24368159; internal data). ClinVar contains an entry for this variant (Variation ID: 265418). Invitae Evidence Modeling of protein sequence and biophysical properties (such as structural, functional, and spatial information, amino acid conservation, physicochemical variation, residue mobility, and thermodynamic stability) indicates that this missense variant is expected to disrupt IDUA protein function with a positive predictive value of 95%. This variant disrupts the p.Leu238 amino acid residue in IDUA. Other variant(s) that disrupt this residue have been observed in individuals with IDUA-related conditions (PMID: 21480867, 24368159), which suggests that this may be a clinically significant amino acid residue. For these reasons, this variant has been classified as Pathogenic.

Natera, Inc.
Classification: Pathogenic for Mucopolysaccharidosis type I. Last evaluated: 2026-01-11. Review status: criteria provided, single submitter. Criteria: Natera Variant Classification Schema (03/2026). Collection method: clinical testing. Allele origin: germline. Not counted in ClinVar's aggregate classification.
Comment: The c.713T>A variant in IDUA is a missense variant predicted to cause substitution of leucine to glutamine at amino acid 238. This variant is rare in the general population with a frequency below the threshold expected for the associated phenotype(s). This variant has been observed in one or more individuals affected with the associated recessive disease, as either homozygous or compound heterozygous with a second variant (PMID: 31304092). Given the available evidence, this variant is classified as Pathogenic.

Revvity Omics, Revvity
Classification: Pathogenic. Last evaluated: 2025-03-31. Review status: criteria provided, single submitter. Criteria: ACMG Guidelines, 2015. Collection method: clinical testing. Allele origin: germline. Not counted in ClinVar's aggregate classification.

GeneDx
Classification: Pathogenic. Last evaluated: 2022-08-31. Review status: criteria provided, single submitter. Criteria: GeneDx Variant Classification Process June 2021. Collection method: clinical testing. Allele origin: germline. Affected: yes. Not counted in ClinVar's aggregate classification.
Comment: Published functional studies demonstrate that the L238Q variant causes reduced IDUA activity and protein levels when expressed in Chinese hamster ovary (CHO) cells (Yogalingam et al., 2004); In silico analysis, which includes protein predictors and evolutionary conservation, supports a deleterious effect; Not observed at significant frequency in large population cohorts (gnomAD); This variant is associated with the following publications: (PMID: 15300847, 24368159, 26260077, 31194252)

Broad Center for Mendelian Genomics, Broad Institute of MIT and Harvard
Classification: Pathogenic for Mucopolysaccharidosis type 1. Last evaluated: 2020-01-14. Review status: criteria provided, single submitter. Criteria: ACMG Guidelines, 2015. Collection method: curation. Allele origin: germline. Inheritance: Autosomal recessive inheritance. Not counted in ClinVar's aggregate classification.
Comment: The p.Leu238Gln variant in IDUA has been reported in at least 7 individuals with mucopolysaccharidosis (MPS), segregated with disease in 4 affected relatives from 2 families (PMID: 24368159), and has been Identified in 0.014% (2/13914) of African chromosomes and 0.003% (3/102956) of European (non-Finnish) chromosomes by the Genome Aggregation Database (gnomAD; dbSNP rs148789453). Although this variant has been seen in the general population, its frequency is low enough to be consistent with a recessive carrier frequency. In vitro functional studies provide some evidence that the p.Leu238Gln variant may impact protein function (PMID: 15300847). However, these types of assays may not accurately represent biological function. Computational prediction tools and conservation analyses suggest that this variant may impact the protein, though this information is not predictive enough to determine pathogenicity. The presence of this variant in combination with reported pathogenic variants in 5 individuals with MPS increases the likelihood that the p.Leu238Gln variant is pathogenic (VariationID: 11908, 222994; PMID: 24368159). The phenotype of individuals compound heterozygous for this variant is highly specific for MPS based on alpha-L-iduronidase activity being <1%, consistent with disease (PMID: 15300847). In summary, this variant meets criteria to be classified as pathogenic for MPS in an autosomal recessive manner based on the presence of the variant in combination with known pathogenic variants, functional studies, cosegregation, and the phenotype of individuals with the variant and MPS being highly specific for IDUA. ACMG/AMP Criteria applied: PM3_strong, PS3_moderate, PM2_supporting, PP3, PP4, PP1 (Richards 2015).

PreventionGenetics, part of Exact Sciences
Classification: Pathogenic for IDUA-related condition. Last evaluated: 2024-06-18. Review status: no assertion criteria provided. Collection method: clinical testing. Allele origin: germline. Not counted in ClinVar's aggregate classification.
Comment: The IDUA c.713T>A variant is predicted to result in the amino acid substitution p.Leu238Gln. This variant was reported along with second variant in several individuals with Mucopolysaccharidosis type 1 (Yogalingam et al. 2004. PubMed ID: 15300847; Ahmed et al. 2013. PubMed ID: 24368159). In vitro functional study demonstrated that this variant reduces IDUA activity to 5.88% of normal enzyme activity (Table 3, Yogalingam et al. 2004. PubMed ID: 15300847). Alternative variant at the same codon p.Leu238Arg has been observed in an individual with Mucopolysaccharidosis type 1 (Wang et al. 2011. PubMed ID: 21480867). This variant is reported in 0.014% of alleles in individuals of African descent in gnomAD. This variant is interpreted as pathogenic.

Counsyl
Classification: Likely pathogenic for Hurler syndrome. Last evaluated: 2017-08-10. Review status: no assertion criteria provided. Collection method: clinical testing. Allele origin: unknown. Not counted in ClinVar's aggregate classification.

Literature cited by the submitters: PubMed 15300847 (cited by 3 submitters); PubMed 24368159 (cited by 3 submitters); PubMed 21480867 (cited by Labcorp Genetics (formerly Invitae), Labcorp); PubMed 31304092 (cited by Natera, Inc.).